The following is an entry in ClinVar:

NM_000051.4(ATM):c.496+4T>C

Gene: ATM (ATM serine/threonine kinase; plus strand). Cytogenetic location: 11q22.3.
Variant type: single nucleotide variant.
Coding change: c.496+4T>C on transcript NM_000051.4 (MANE Select); 4 bases into the intron after coding-DNA position 496, T replaced by C.
Molecular consequence: intron variant.
Genome position (GRCh38, 1-based): chr11:108,235,838, T>C. VCF-style: chr11-108235838-T-C. GRCh37 (hg19) VCF-style: chr11-108106565-T-C.
Other names: p.?; c.496+4T>C (NM_001351834.2).
Identifiers: ClinVar variation 140926 (VCV000140926.79), dbSNP rs587781375, ClinGen allele CA294004.

ClinVar aggregate classification (germline): Likely benign. Review status: reviewed by expert panel (3 of 4 stars). 22 submissions from 22 submitters: Likely benign (1). 21 of the submissions do not count toward it. Last evaluated 2025-09-25.

Conditions:
ATM-related disorder. Also called: ATM-related disorders; ATM-related condition.
ATM-related cancer predisposition. Also called: ATM-related cancer susceptibility. Identifiers: MedGen CN377759, MONDO:0700270.
Hereditary cancer. Identifiers: MedGen C1333600.
Hereditary cancer-predisposing syndrome. Also called: Tumor predisposition; Hereditary neoplastic syndrome; Hereditary Cancer Syndrome; Neoplastic Syndromes, Hereditary. Identifiers: Orphanet 140162, MedGen C0027672, MeSH D009386, MONDO:0015356.
Familial cancer of breast. Also called: Hereditary breast cancer; hereditary breast carcinoma; BREAST CANCER, FAMILIAL. Identifiers: Orphanet 227535, MedGen C0346153, MONDO:0016419, OMIM 114480. Disease mechanism: loss of function.
Ataxia-telangiectasia syndrome (AT). Also called: ATAXIA-TELANGIECTASIA, COMPLEMENTATION GROUP A; ATAXIA-TELANGIECTASIA, FRESNO VARIANT; Ataxia-telangiectasia; Ataxia-telangiectasia, complementation group D; AT, COMPLEMENTATION GROUP C; Ataxia-telangiectasia, complementation group E. Identifiers: Orphanet 100, MedGen C0004135, MONDO:0008840, OMIM 208900.
Malignant tumor of breast. Also called: Cancer breast; Malignant breast neoplasm. Identifiers: MedGen C0006142, MONDO:0007254. Disease mechanism: loss of function.

Allele frequency attached by ClinVar (database versions not stated): TOPMed 0.00006; gnomAD 0.00007; ExAC 0.00010.
gnomAD v4.1: 126 of 1,613,784 alleles (0.0078%); highest among the groups gnomAD compares: Middle Eastern, 0.017%; no homozygotes.

Submissions 1 to 14 of 22:

ClinGen Hereditary Breast, Ovarian and Pancreatic Cancer Variant Curation Expert Panel, ClinGen
Classification: Likely benign for ATM-related cancer predisposition. Last evaluated: 2025-09-25. Review status: reviewed by expert panel. Criteria: ClinGen HBOP ACMG Specifications ATM V1.3.0. Collection method: curation. Allele origin: germline. Inheritance: Autosomal dominant inheritance.
Comment: The c.496+4T>C variant in ATM is an intronic variant that is not predicted by SpliceAI to impact splicing. RNA data revealed no observed effect on splicing (Spanish ATM Cancer Susceptibility Variant Interpretation Working Group). The highest population minor allele frequency in gnomAD v4.1.0 is 0.0001652 in the Middle Eastern population (PM2_Supporting, BS1, and BA1 are not met). In summary this variant meets the criteria to be classified as likely benign for autosomal dominant ATM-related cancer predisposition and autosomal recessive Ataxia-Telangiectasia based on the ACMG/AMP criteria applied as specified by the HBOP VCEP. (BP7_Moderate(RNA))

Labcorp Genetics (formerly Invitae), Labcorp
Classification: Likely benign for Ataxia-telangiectasia syndrome. Last evaluated: 2026-01-28. Review status: criteria provided, single submitter. Criteria: Invitae Variant Classification Sherloc (09022015). Collection method: clinical testing. Allele origin: germline. Not counted in ClinVar's aggregate classification.

PreventionGenetics, part of Exact Sciences
Classification: Likely benign for ATM-related condition. Last evaluated: 2025-10-21. Review status: criteria provided, single submitter. Criteria: ACMG Guidelines, 2015. Collection method: clinical testing. Allele origin: germline. Not counted in ClinVar's aggregate classification.
Comment: This variant is classified as likely benign based on ACMG/AMP sequence variant interpretation guidelines (Richards et al. 2015 PMID: 25741868, with internal and published modifications).

Women's Health and Genetics/Laboratory Corporation of America, LabCorp
Classification: Likely benign. Last evaluated: 2025-07-15. Review status: criteria provided, single submitter. Criteria: LabCorp Variant Classification Summary - May 2015. Collection method: clinical testing. Allele origin: germline. Not counted in ClinVar's aggregate classification.
Comment: Variant summary: ATM c.496+4T>C alters a conserved nucleotide located close to a canonical splice site and therefore could affect mRNA splicing, leading to a significantly altered protein sequence. Consensus agreement among computation tools predict no significant impact on normal splicing. However, these predictions have yet to be confirmed by functional studies. The variant allele was found at a frequency of 8.8e-05 in 251312 control chromosomes, predominantly at a frequency of 0.00019 within the Non-Finnish European subpopulation in the gnomAD database. The observed variant frequency within Non-Finnish European control individuals in the gnomAD database is approximately 1.9 fold of the estimated maximal expected allele frequency for a pathogenic variant in ATM causing Breast Cancer phenotype (0.0001). c.496+4T>C has been observed in individuals affected with Breast Cancer without strong evidence of causality (Jalkh_2017, Mitchell_2018). These reports do not provide unequivocal conclusions about association of the variant with Breast Cancer. To our knowledge, no experimental evidence demonstrating an impact on protein function has been reported. The following publications have been ascertained in the context of this evaluation (PMID: 25980754, 28202063, 29659587). ClinVar contains an entry for this variant (Variation ID: 140926). Based on the evidence outlined above, the variant was classified as likely benign.

Quest Diagnostics Nichols Institute San Juan Capistrano
Classification: Uncertain significance. Last evaluated: 2025-05-16. Review status: criteria provided, single submitter. Criteria: Quest Diagnostics criteria. Collection method: clinical testing. Allele origin: unknown. Not counted in ClinVar's aggregate classification.

Mayo Clinic Laboratories, Mayo Clinic
Classification: Uncertain significance. Last evaluated: 2025-04-02. Review status: criteria provided, single submitter. Criteria: ACMG Guidelines, 2015. Collection method: clinical testing. Allele origin: germline. Observed: 2 variant alleles. Not counted in ClinVar's aggregate classification.
Comment: BP4

Mendelics
Classification: Likely benign for Hereditary cancer. Last evaluated: 2025-02-27. Review status: criteria provided, single submitter. Criteria: ACMG Guidelines, 2015. Collection method: clinical testing. Allele origin: unknown. Not counted in ClinVar's aggregate classification.
Comment: This variant is considered likely benign or benign based on one or more of the following: it is predicted to be benign by multiple in silico algorithms, and/or has population frequency not consistent with disease, and/or has normal protein function, and/or has lack of segregation with disease, and/or has been detected in co-occurrence with known pathogenic variant, and/or has lack of disease association in case-control studies, and/or is located in a region inconsistent with a known cause of pathogenicity.

ARUP Laboratories, Molecular Genetics and Genomics, ARUP Laboratories
Classification: Likely benign. Last evaluated: 2025-01-09. Review status: criteria provided, single submitter. Criteria: ARUP Molecular Germline Variant Investigation Process 2024. Collection method: clinical testing. Allele origin: germline. Not counted in ClinVar's aggregate classification.

CeGaT Center for Human Genetics Tuebingen
Classification: Likely benign. Last evaluated: 2024-12-01. Review status: criteria provided, single submitter. Criteria: CeGaT Center For Human Genetics Tuebingen Variant Classification Criteria Version 2. Collection method: clinical testing. Allele origin: germline. Affected: yes. Observed: 2 variant alleles. Not counted in ClinVar's aggregate classification.
Comment: ATM: BP4, BS1

Blueprint Genetics
Classification: Likely benign. Last evaluated: 2024-09-12. Review status: criteria provided, single submitter. Criteria: ACMG Guidelines, 2015. Collection method: clinical testing. Allele origin: germline. Not counted in ClinVar's aggregate classification.

Myriad Genetics, Inc.
Classification: Likely benign for Familial cancer of breast. Last evaluated: 2024-04-19. Review status: criteria provided, single submitter. Criteria: Myriad Autosomal Dominant, Autosomal Recessive and X-Linked Classification Criteria (2023). Collection method: clinical testing. Allele origin: unknown. Not counted in ClinVar's aggregate classification.
Comment: This variant is considered likely benign. This variant is intronic and is not expected to impact mRNA splicing. This variant is strongly associated with less severe personal and family histories of cancer, typical for individuals without pathogenic variants in this gene [PMID: 25085752].

Institute for Biomarker Research, Medical Diagnostic Laboratories, L.L.C.
Classification: Likely benign for Hereditary cancer-predisposing syndrome. Last evaluated: 2024-04-16. Review status: criteria provided, single submitter. Criteria: ACMG Guidelines, 2015. Collection method: clinical testing. Allele origin: germline. Not counted in ClinVar's aggregate classification.

Sema4
Classification: Likely benign for Hereditary cancer-predisposing syndrome. Last evaluated: 2021-07-13. Review status: criteria provided, single submitter. Criteria: Sema4 Curation Guidelines. Collection method: curation. Allele origin: germline. Not counted in ClinVar's aggregate classification.

Baylor Genetics
Classification: Uncertain significance for Ataxia-telangiectasia syndrome. Last evaluated: 2020-06-25. Review status: criteria provided, single submitter. Criteria: ACMG Guidelines, 2015. Collection method: clinical testing. Allele origin: unknown. Affected: yes. Not counted in ClinVar's aggregate classification.
Comment: This variant was determined to be of uncertain significance according to ACMG Guidelines, 2015 [PMID:25741868].